The following is an entry in ClinVar:

NM_000138.5(FBN1):c.8478del (p.Tyr2827fs)

Gene: FBN1 (fibrillin 1; minus strand). Cytogenetic location: 15q21.1.
Variant type: Deletion.
Coding change: c.8478del on transcript NM_000138.5 (MANE Select); coding-DNA position 8478, one base deleted (C; older notation c.8478delC).
Protein change: p.Tyr2827fs; shifts the reading frame from tyrosine 2827.
Molecular consequence: frameshift variant.
Genome position (GRCh38, 1-based): chr15:48,411,128, G deleted on the plus strand (C on the coding strand, the reverse complement: FBN1 is on the minus strand); the first of 2 consecutive G bases (chr15:48,411,128-48,411,129); deleting either gives the same sequence. VCF-style (leftmost placement, unchanged base first): chr15-48411127-AG-A. GRCh37 (hg19) VCF-style: chr15-48703324-AG-A.
Other names: c.8477delC, p.Tyr2827Ilefs (NM_001406716.1); short protein forms Y2827fs.
Identifiers: ClinVar variation 2112131 (VCV002112131.4), dbSNP rs2505370856, ClinGen allele CA2580089562.

ClinVar aggregate classification (germline): Pathogenic (1 of 4 stars; one submission).

Conditions:
Familial thoracic aortic aneurysm and aortic dissection (TAAD). Also called: Thoracic aortic aneurysms and dissections. Identifiers: Orphanet 91387, MedGen C4707243, MONDO:0019625.
Marfan syndrome (MFS). Also called: MARFAN SYNDROME, TYPE I; Marfan syndrome type 1; Marfan's syndrome; Marfan syndrome, classic; FBN1-Related Marfan Syndrome. Identifiers: Orphanet 284963, Orphanet 558, MedGen C0024796, MONDO:0007947, OMIM 154700.

Submission:

Labcorp Genetics (formerly Invitae), Labcorp
Classification: Pathogenic for Marfan syndrome; Familial thoracic aortic aneurysm and aortic dissection. Last evaluated: 2022-03-14. Review status: criteria provided, single submitter. Criteria: Invitae Variant Classification Sherloc (09022015). Collection method: clinical testing. Allele origin: germline.
Comment: This sequence change creates a premature translational stop signal (p.Tyr2827Ilefs*19) in the FBN1 gene. While this is not anticipated to result in nonsense mediated decay, it is expected to disrupt the last 45 amino acid(s) of the FBN1 protein. This variant is not present in population databases (gnomAD no frequency). This variant has not been reported in the literature in individuals affected with FBN1-related conditions. This variant disrupts a region of the FBN1 protein in which other variant(s) (p.Gln2867*) have been determined to be pathogenic (PMID: 19293843). This suggests that this is a clinically significant region of the protein, and that variants that disrupt it are likely to be disease-causing. For these reasons, this variant has been classified as Pathogenic.

Literature cited by the submitters: PubMed 19293843.